The following is an entry in ClinVar:

ClinVar aggregate classification (germline): Uncertain significance (1 of 4 stars; one submission).

Submission:

Labcorp Genetics (formerly Invitae), Labcorp
Classification: Uncertain significance. Last evaluated: 2025-06-09. Review status: criteria provided, single submitter. Criteria: Invitae Variant Classification Sherloc (09022015). Collection method: clinical testing. Allele origin: germline.
Comment: This sequence change replaces alanine, which is neutral and non-polar, with valine, which is neutral and non-polar, at codon 1650 of the SRCAP protein (p.Ala1650Val). This variant is not present in population databases (gnomAD no frequency). This variant has not been reported in the literature in individuals affected with SRCAP-related conditions. Invitae Evidence Modeling of protein sequence and biophysical properties (such as structural, functional, and spatial information, amino acid conservation, physicochemical variation, residue mobility, and thermodynamic stability) indicates that this missense variant is not expected to disrupt SRCAP protein function with a negative predictive value of 80%. In summary, the available evidence is currently insufficient to determine the role of this variant in disease. Therefore, it has been classified as a Variant of Uncertain Significance.

NM_006662.3(SRCAP):c.4949C>T (p.Ala1650Val)

Gene: SRCAP (Snf2 related CREBBP activator protein; plus strand). Cytogenetic location: 16p11.2.
Variant type: single nucleotide variant.
Coding change: c.4949C>T on transcript NM_006662.3 (MANE Select); coding-DNA position 4949, C replaced by T.
Protein change: p.Ala1650Val; replaces alanine 1650 with valine.
Molecular consequence: missense variant.
Genome position (GRCh38, 1-based): chr16:30,724,373, C>T. VCF-style: chr16-30724373-C-T. GRCh37 (hg19) VCF-style: chr16-30735694-C-T.
Other names: short protein forms A1650V.
Identifiers: ClinVar variation 4747632 (VCV004747632.1).